The following is an entry in ClinVar:

ClinVar aggregate classification (germline): Uncertain significance (1 of 4 stars; one submission).

Submission:

Labcorp Genetics (formerly Invitae), Labcorp
Classification: Uncertain significance. Last evaluated: 2023-10-22. Review status: criteria provided, single submitter. Criteria: Invitae Variant Classification Sherloc (09022015). Collection method: clinical testing. Allele origin: unknown.
Comment: This variant results in a copy number gain of the genomic region encompassing exon(s) 3-6 of the TBCE gene. While the exact position of this variant cannot be determined from the data, sub-genic copy number gains are generally in tandem (PMID: 25640679). This variant is predicted to be in-frame, and likely preserves the integrity of the reading frame. This variant has not been reported in the literature in individuals affected with TBCE-related conditions. Experimental studies and prediction algorithms are not available or were not evaluated, and the functional significance of this variant is currently unknown. In summary, the available evidence is currently insufficient to determine the role of this variant in disease. Therefore, it has been classified as a Variant of Uncertain Significance.

Literature cited by the submitters: PubMed 25640679.

NC_000001.10:g.(?_235564798)_(235590574_?)dup

Gene: TBCE (tubulin folding cofactor E; plus strand). Cytogenetic location: 1q42.3.
Variant type: Duplication.
Identifiers: ClinVar variation 3247960 (VCV003247960.1).